The following is an entry in ClinVar:

NM_001458.5(FLNC):c.2302A>G (p.Lys768Glu)

Gene: FLNC (filamin C; plus strand). Cytogenetic location: 7q32.1.
Variant type: single nucleotide variant.
Coding change: c.2302A>G on transcript NM_001458.5 (MANE Select); coding-DNA position 2302, A replaced by G.
Protein change: p.Lys768Glu; replaces lysine 768 with glutamic acid.
Molecular consequence: missense variant.
Genome position (GRCh38, 1-based): chr7:128,842,611, A>G. VCF-style: chr7-128842611-A-G. GRCh37 (hg19) VCF-style: chr7-128482665-A-G.
Other names: c.2302A>G, p.Lys768Glu (NM_001127487.2); short protein forms K768E.
Identifiers: ClinVar variation 4025618 (VCV004025618.1).

ClinVar aggregate classification (germline): Uncertain significance (1 of 4 stars; one submission).

Conditions:
Cardiovascular phenotype. Identifiers: MedGen CN230736.

Submission:

Ambry Genetics
Classification: Uncertain significance for Cardiovascular phenotype. Last evaluated: 2025-05-03. Review status: criteria provided, single submitter. Criteria: Ambry Variant Classification Scheme 2023. Collection method: clinical testing. Allele origin: germline.
Comment: The p.K768E variant (also known as c.2302A>G), located in coding exon 15 of the FLNC gene, results from an A to G substitution at nucleotide position 2302. The lysine at codon 768 is replaced by glutamic acid, an amino acid with similar properties. This amino acid position is conserved. In addition, the in silico prediction for this alteration is inconclusive. Based on the available evidence, the clinical significance of this variant remains unclear.